The following is an entry in ClinVar:

NM_004586.3(RPS6KA3):c.525T>C (p.Ala175=)

Gene: RPS6KA3 (ribosomal protein S6 kinase A3; minus strand). Cytogenetic location: Xp22.12.
Variant type: single nucleotide variant.
Coding change: c.525T>C on transcript NM_004586.3 (MANE Select); coding-DNA position 525, T replaced by C.
Protein change: p.Ala175=; no amino-acid change (alanine 175 retained).
Molecular consequence: synonymous variant.
Genome position (GRCh38, 1-based): chrX:20,193,555, A>G on the plus strand (T>C on the coding strand, the complement: RPS6KA3 is on the minus strand). VCF-style: chrX-20193555-A-G. GRCh37 (hg19) VCF-style: chrX-20211673-A-G.
Identifiers: ClinVar variation 3349693 (VCV003349693.1).

ClinVar aggregate classification (germline): Likely benign (0 of 4 stars; one submission).

Conditions:
RPS6KA3-related disorder. Also called: RPS6KA3-related condition.

Submission:

PreventionGenetics, part of Exact Sciences
Classification: Likely benign for RPS6KA3-related condition. Last evaluated: 2024-02-16. Review status: no assertion criteria provided. Collection method: clinical testing. Allele origin: germline.
Comment: This variant is classified as likely benign based on ACMG/AMP sequence variant interpretation guidelines (Richards et al. 2015 PMID: 25741868, with internal and published modifications).